The following is an entry in ClinVar:

NM_000494.4(COL17A1):c.2263+2T>C

Gene: COL17A1 (collagen type XVII alpha 1 chain; minus strand). Cytogenetic location: 10q25.1.
Variant type: single nucleotide variant.
Coding change: c.2263+2T>C on transcript NM_000494.4 (MANE Select); the canonical splice donor site of the intron after coding-DNA position 2263, T replaced by C.
Molecular consequence: splice donor variant.
Genome position (GRCh38, 1-based): chr10:104,048,067, A>G on the plus strand (T>C on the coding strand, the complement: COL17A1 is on the minus strand). VCF-style: chr10-104048067-A-G. GRCh37 (hg19) VCF-style: chr10-105807825-A-G.
Other names: NC_000010.10:g.105807825A>G.
Identifiers: ClinVar variation 4081253 (VCV004081253.3).

ClinVar aggregate classification (germline): Likely pathogenic. Review status: criteria provided, multiple submitters, no conflicts (2 of 4 stars). 2 submissions from 2 submitters: Likely pathogenic (2). Last evaluated 2025-11-16.

gnomAD v4.1: 2 of 1,613,816 alleles (0.00012%); highest among the groups gnomAD compares: African/African-American, 0.0013%; no homozygotes.

Submissions (3):

Labcorp Genetics (formerly Invitae), Labcorp
Classification: Likely pathogenic. Last evaluated: 2025-11-16. Review status: criteria provided, single submitter. Criteria: Invitae Variant Classification Sherloc (09022015). Collection method: clinical testing. Allele origin: germline.
Comment: This sequence change affects a donor splice site in intron 30 of the COL17A1 gene. It is expected to disrupt RNA splicing. Variants that disrupt the donor or acceptor splice site typically lead to a loss of protein function (PMID: 16199547), and loss-of-function variants in COL17A1 are known to be pathogenic (PMID: 16473856, 17344927, 20301304, 21357940, 24319098). This variant is not present in population databases (gnomAD no frequency). This variant has not been reported in the literature in individuals affected with COL17A1-related conditions. ClinVar contains an entry for this variant (Variation ID: 4081253). Algorithms developed to predict the effect of sequence changes on RNA splicing suggest that this variant may disrupt the consensus splice site. In summary, the currently available evidence indicates that the variant is pathogenic, but additional data are needed to prove that conclusively. Therefore, this variant has been classified as Likely Pathogenic.

Revvity Omics, Revvity
Classification: Likely pathogenic. Last evaluated: 2025-04-03. Review status: criteria provided, single submitter. Criteria: ACMG Guidelines, 2015. Collection method: clinical testing. Allele origin: germline.

Dr. Peter K. Rogan Lab, Western University
No classification provided (evidence only). Condition: Thyroid cancer, nonmedullary, 1. Review status: no classification provided. Collection method: in vitro. Allele origin: not applicable. Functional consequence: retained intron. Not counted in ClinVar's aggregate classification.

Literature cited by the submitters: PubMed 16199547 (cited by Labcorp Genetics (formerly Invitae), Labcorp); PubMed 16473856 (cited by Labcorp Genetics (formerly Invitae), Labcorp); PubMed 17344927 (cited by Labcorp Genetics (formerly Invitae), Labcorp); PubMed 20301304 (cited by Labcorp Genetics (formerly Invitae), Labcorp); PubMed 21357940 (cited by Labcorp Genetics (formerly Invitae), Labcorp); PubMed 24319098 (cited by Labcorp Genetics (formerly Invitae), Labcorp).